The following is an entry in ClinVar:

ClinVar aggregate classification (germline): Uncertain significance (1 of 4 stars; one submission).

Conditions:
Polycystic kidney disease, adult type (PKD1). Also called: Polycystic Kidney, Autosomal Dominant; POLYCYSTIC KIDNEY DISEASE, ADULT, TYPE I; Polycystic Kidney Disease 1, Autosomal Dominant; Polycystic kidney disease 1; Polycystic kidney disease 1, severe; POLYCYSTIC KIDNEY DISEASE 1 WITH OR WITHOUT POLYCYSTIC LIVER DISEASE. Identifiers: MedGen C3149841, MONDO:0008263, OMIM 173900.

gnomAD v4.1: 31 of 1,603,982 alleles (0.0019%); highest among the groups gnomAD compares: East Asian, 0.0045%; no homozygotes.

Submission:

Dasa
Classification: Uncertain significance for Polycystic kidney disease, adult type. Last evaluated: 2025-08-01. Review status: criteria provided, single submitter. Criteria: DASA Assertion Criteria. Collection method: clinical testing. Allele origin: germline.
Comment: NM_001009944.3(PKD1):c.10145C>T (p.Thr3382Met) is a missense variant that results in the substitution of threonine with methionine. This variant is rare in population databases. The currently available literature and clinical evidence are not sufficient to establish a definitive association between this variant and the reported condition. Therefore, this variant is classified as a variant of uncertain significance.

NM_001009944.3(PKD1):c.10145C>T (p.Thr3382Met)

Gene: PKD1 (polycystin 1, transient receptor potential channel interacting; minus strand). Cytogenetic location: 16p13.3.
Variant type: single nucleotide variant.
Coding change: c.10145C>T on transcript NM_001009944.3 (MANE Select); coding-DNA position 10145, C replaced by T.
Protein change: p.Thr3382Met; replaces threonine 3382 with methionine.
Molecular consequence: missense variant.
Genome position (GRCh38, 1-based): chr16:2,097,890, G>A on the plus strand (C>T on the coding strand, the complement: PKD1 is on the minus strand). VCF-style: chr16-2097890-G-A. GRCh37 (hg19) VCF-style: chr16-2147891-G-A.
Other names: c.10145C>T, p.Thr3382Met (NM_000296.4); short protein forms T3382M.
Identifiers: ClinVar variation 4885951 (VCV004885951.2).